The following is an entry in ClinVar:

ClinVar aggregate classification (germline): Pathogenic/Likely pathogenic. Review status: criteria provided, multiple submitters, no conflicts (2 of 4 stars). 10 submissions from 10 submitters: Pathogenic (9); Likely pathogenic (1). Last evaluated 2025-12-22.

Conditions:
Fanconi anemia complementation group J. Also called: BRIP1-Related Fanconi Anemia. Identifiers: Orphanet 84, MedGen C1836860, MONDO:0012187, OMIM 609054.
Familial cancer of breast. Also called: BREAST CANCER, FAMILIAL; hereditary breast carcinoma; Hereditary breast cancer. Identifiers: Orphanet 227535, MedGen C0346153, MONDO:0016419, OMIM 114480. Disease mechanism: loss of function.
Hereditary breast ovarian cancer syndrome. Also called: Hereditary breast and ovarian cancer syndrome; Hereditary breast and ovarian cancer; Hereditary breast and ovarian cancer syndrome (HBOC); Breast and ovarian cancer; Hereditary breast and/or ovarian cancer syndrome; BRCA1- and BRCA2-Associated Hereditary Breast and Ovarian Cancer. Identifiers: Orphanet 145, MedGen C0677776, MeSH D061325, MONDO:0003582. Disease mechanism: loss of function.
Familial ovarian cancer. Identifiers: MedGen C5679802, MONDO:0016248.
Hereditary cancer-predisposing syndrome. Also called: Neoplastic Syndromes, Hereditary; Tumor predisposition; Hereditary Cancer Syndrome; Hereditary neoplastic syndrome. Identifiers: Orphanet 140162, MedGen C0027672, MeSH D009386, MONDO:0015356.

Allele frequency attached by ClinVar (database versions not stated): gnomAD exomes below 0.00001 and 0.00002; TOPMed 0.00001; ExAC 0.00004.
gnomAD v4.1: 5 of 1,609,014 alleles (0.00031%); highest among the groups gnomAD compares: East Asian, 0.009%; no homozygotes.

Submissions (11):

Labcorp Genetics (formerly Invitae), Labcorp
Classification: Pathogenic for Familial cancer of breast; Fanconi anemia complementation group J. Last evaluated: 2025-12-22. Review status: criteria provided, single submitter. Criteria: Invitae Variant Classification Sherloc (09022015). Collection method: clinical testing. Allele origin: germline.
Comment: This sequence change creates a premature translational stop signal (p.Trp448*) in the BRIP1 gene. It is expected to result in an absent or disrupted protein product. Loss-of-function variants in BRIP1 are known to be pathogenic (PMID: 16116423, 17033622, 21964575). This variant is present in population databases (rs775171520, gnomAD 0.04%). This premature translational stop signal has been observed in individual(s) with a personal or familial history of breast cancer (PMID: 26824983). ClinVar contains an entry for this variant (Variation ID: 216129). RNA analysis performed to evaluate the impact of this premature translational stop signal on mRNA splicing indicates it does not significantly alter splicing (internal data). For these reasons, this variant has been classified as Pathogenic.

Ambry Genetics
Classification: Pathogenic for Hereditary cancer-predisposing syndrome. Last evaluated: 2024-10-08. Review status: criteria provided, single submitter. Criteria: Ambry Variant Classification Scheme 2023. Collection method: clinical testing. Allele origin: germline.
Comment: The p.W448* pathogenic mutation (also known as c.1343G>A), located in coding exon 9 of the BRIP1 gene, results from a G to A substitution at nucleotide position 1343. This changes the amino acid from a tryptophan to a stop codon within coding exon 9. In one study, this alteration was classified as a loss of function mutation based on its failure to confer resistance to either cisplatin or mitomycin C treatment (Calvo JA et al. Mol Cancer Res, 2021 Jun;19:1015-1025). In addition, this alteration has been reported in one individual from an Asian-Pacific cohort of 133 breast cancer patients with early onset or bilateral breast cancer or with a family history of breast and/or ovarian cancer (Lin PH et al. Oncotarget 2016 Feb;7:8310-20). This alteration was also reported in two individuals with personal history of bladder and colon cancer, respectively, from a cohort of 1191 cancer index patients who underwent clinical evaluation and testing with multigene panels (Chan GHJ et al. Oncotarget, 2018 Jul;9:30649-30660), and in 1/618 unselected Chinese colorectal cancer patients (Gong R et al. Cancer Manag Res, 2019 Apr;11:3721-3739). In addition to the clinical data presented in the literature, this alteration is expected to result in loss of function by premature protein truncation or nonsense-mediated mRNA decay. As such, this alteration is interpreted as a disease-causing mutation.

Molecular Pathology, Peter Maccallum Cancer Centre
Classification: Pathogenic for Familial ovarian cancer. Last evaluated: 2024-08-19. Review status: criteria provided, single submitter. Criteria: ACMG Guidelines, 2015. Collection method: clinical testing. Allele origin: germline. Inheritance: Autosomal dominant inheritance.

Baylor Genetics
Classification: Pathogenic for Familial cancer of breast. Last evaluated: 2024-02-05. Review status: criteria provided, single submitter. Criteria: ACMG Guidelines, 2015. Collection method: clinical testing. Allele origin: unknown.

Daryl Scott Lab, Baylor College of Medicine
Classification: Pathogenic for Fanconi anemia complementation group J. Last evaluated: 2024-01-01. Review status: criteria provided, single submitter. Criteria: ACMG Guidelines, 2015. Collection method: clinical testing. Allele origin: maternal. Affected: yes. Observed: 1 heterozygote.
Comment: PVS1, PM2, PM3, PP1

Color Diagnostics, LLC DBA Color Health
Classification: Pathogenic for Hereditary cancer-predisposing syndrome. Last evaluated: 2023-06-13. Review status: criteria provided, single submitter. Criteria: ACMG Guidelines, 2015. Collection method: clinical testing. Allele origin: germline.
Comment: This variant changes 1 nucleotide in exon 10 of the BRIP1 gene, creating a premature translation stop signal. This variant is expected to result in an absent or non-functional protein product. This variant has been reported in individuals affected with breast cancer (PMID: 26824983, 31742824, 33649982) and colorectal cancer (PMID: 31118792) in the literature. This variant has been identified in 6/246588 chromosomes in the general population by the Genome Aggregation Database (gnomAD). Loss of BRIP1 function is a known mechanism of disease. Based on the available evidence, this variant is classified as Pathogenic.

Myriad Genetics, Inc.
Classification: Pathogenic for Familial cancer of breast. Last evaluated: 2023-06-01. Review status: criteria provided, single submitter. Criteria: Myriad Autosomal Dominant, Autosomal Recessive and X-Linked Classification Criteria (2023). Collection method: clinical testing. Allele origin: unknown.
Comment: This variant is considered pathogenic. This variant creates a termination codon and is predicted to result in premature protein truncation.

Quest Diagnostics Nichols Institute San Juan Capistrano
Classification: Pathogenic. Last evaluated: 2022-12-22. Review status: criteria provided, single submitter. Criteria: Quest Diagnostics criteria. Collection method: clinical testing. Allele origin: unknown.
Comment: This nonsense variant causes the premature termination of BRIP1 protein synthesis. The frequency of this variant in the general population, 0.00033 (6/18306 chromosomes), is consistent with pathogenicity. In the published literature, the variant has been reported in individuals with breast cancer (PMID: 33471991 (2021), 31742824 (2020), 26824983 (2016)), colorectal cancer (PMID: 31118792 (2019)), and bladder cancer (PMID: 30093976 (2018)). Based on the available information, this variant is classified as pathogenic.

Women's Health and Genetics/Laboratory Corporation of America, LabCorp
Classification: Likely pathogenic for Hereditary breast ovarian cancer syndrome. Last evaluated: 2015-11-27. Review status: criteria provided, single submitter. Criteria: LabCorp Variant Classification Summary - May 2015. Collection method: clinical testing. Allele origin: germline.

Juno Genomics, Hangzhou Juno Genomics, Inc
Classification: Pathogenic for Familial cancer of breast; Fanconi anemia complementation group J. Review status: criteria provided, single submitter. Criteria: ACMG Guidelines, 2015. Collection method: clinical testing. Allele origin: germline.
Comment: Absent from controls (or at extremely low frequency if recessive) in Genome Aggregation Database.;Null variant in a gene where loss of function (LOF) is a known mechanism of disease.;The prevalence of the variant in affected individuals is significantly increased compared to the prevalence in controls.

Dr. Peter K. Rogan Lab, Western University
No classification provided (evidence only). Condition: Melanoma. Review status: no classification provided. Collection method: in vitro. Allele origin: not applicable. Functional consequence: retained intron. Not counted in ClinVar's aggregate classification.

Literature cited by the submitters: PubMed 16116423 (cited by Labcorp Genetics (formerly Invitae), Labcorp); PubMed 17033622 (cited by Labcorp Genetics (formerly Invitae), Labcorp); PubMed 21964575 (cited by Labcorp Genetics (formerly Invitae), Labcorp); PubMed 26824983 (cited by 4 submitters); PubMed 30093976 (cited by Ambry Genetics and Quest Diagnostics Nichols Institute San Juan Capistrano); PubMed 31118792 (cited by 3 submitters); PubMed 33619228 (cited by Ambry Genetics); PubMed 31742824 (cited by Color Diagnostics, LLC DBA Color Health and Quest Diagnostics Nichols Institute San Juan Capistrano); PubMed 33649982 (cited by Color Diagnostics, LLC DBA Color Health); PubMed 33471991 (cited by Quest Diagnostics Nichols Institute San Juan Capistrano); PubMed 29922827 (cited by Quest Diagnostics Nichols Institute San Juan Capistrano).

NM_032043.3(BRIP1):c.1343G>A (p.Trp448Ter)

Gene: BRIP1 (BRCA1 interacting DNA helicase 1; minus strand). Cytogenetic location: 17q23.2.
Variant type: single nucleotide variant.
Coding change: c.1343G>A on transcript NM_032043.3 (MANE Select); coding-DNA position 1343, G replaced by A.
Protein change: p.Trp448Ter; replaces tryptophan 448 with a stop codon.
Molecular consequence: nonsense.
Genome position (GRCh38, 1-based): chr17:61,793,727, C>T on the plus strand (G>A on the coding strand, the complement: BRIP1 is on the minus strand). VCF-style: chr17-61793727-C-T. GRCh37 (hg19) VCF-style: chr17-59871088-C-T.
Other names: short protein forms W448*.
Identifiers: ClinVar variation 216129 (VCV000216129.29), dbSNP rs775171520, ClinGen allele CA338228.
Genomic context (GRCh38, chr17:61,793,727, plus strand): 5'-CATATTTTACAAGCTGATTCATAATCTCTTTCTACAAGATATTCAGCGTTTGCTTCTAAC[C>T]AACTGAAATAAAATAAAACAATTGTGTCAACCAGTATCATCCTTACACACACTATTTCAG-3'